The following is an entry in ClinVar:

ClinVar aggregate classification (germline): Uncertain significance (1 of 4 stars; one submission).

Conditions:
Carney complex, type 1 (CNC1). Also called: CARNEY COMPLEX, TYPE I; CARNEY MYXOMA-ENDOCRINE COMPLEX. Identifiers: Orphanet 1359, MedGen C2607929, MONDO:0008057, OMIM 160980.

Submission:

Labcorp Genetics (formerly Invitae), Labcorp
Classification: Uncertain significance for Carney complex, type 1. Last evaluated: 2025-03-17. Review status: criteria provided, single submitter. Criteria: Invitae Variant Classification Sherloc (09022015). Collection method: clinical testing. Allele origin: germline.
Comment: This sequence change replaces isoleucine, which is neutral and non-polar, with methionine, which is neutral and non-polar, at codon 177 of the PRKAR1A protein (p.Ile177Met). This variant is not present in population databases (gnomAD no frequency). This variant has not been reported in the literature in individuals affected with PRKAR1A-related conditions. Invitae Evidence Modeling of protein sequence and biophysical properties (such as structural, functional, and spatial information, amino acid conservation, physicochemical variation, residue mobility, and thermodynamic stability) indicates that this missense variant is not expected to disrupt PRKAR1A protein function with a negative predictive value of 95%. In summary, the available evidence is currently insufficient to determine the role of this variant in disease. Therefore, it has been classified as a Variant of Uncertain Significance.

NM_002734.5(PRKAR1A):c.531T>G (p.Ile177Met)

Gene: PRKAR1A (protein kinase cAMP-dependent type I regulatory subunit alpha; plus strand). Cytogenetic location: 17q24.2.
Variant type: single nucleotide variant.
Coding change: c.531T>G on transcript NM_002734.5 (MANE Select); coding-DNA position 531, T replaced by G.
Protein change: p.Ile177Met; replaces isoleucine 177 with methionine.
Molecular consequence: missense variant.
Genome position (GRCh38, 1-based): chr17:68,524,940, T>G. VCF-style: chr17-68524940-T-G. GRCh37 (hg19) VCF-style: chr17-66521081-T-G.
Other names: c.531T>G, p.Ile177Met (NM_001276289.2, NM_001276290.1, NM_001278433.2 and 4 more transcripts); short protein forms I177M.
Identifiers: ClinVar variation 4709594 (VCV004709594.1).